The following is an entry in ClinVar:

NM_001134407.3(GRIN2A):c.748G>A (p.Gly250Arg)

Gene: GRIN2A (glutamate ionotropic receptor NMDA type subunit 2A; minus strand). Cytogenetic location: 16p13.2.
Variant type: single nucleotide variant.
Coding change: c.748G>A on transcript NM_001134407.3 (MANE Select); coding-DNA position 748, G replaced by A.
Protein change: p.Gly250Arg; replaces glycine 250 with arginine.
Molecular consequence: missense variant.
Genome position (GRCh38, 1-based): chr16:9,938,218, C>T on the plus strand (G>A on the coding strand, the complement: GRIN2A is on the minus strand). VCF-style: chr16-9938218-C-T. GRCh37 (hg19) VCF-style: chr16-10032075-C-T.
Other names: c.748G>A, p.Gly250Arg (NM_000833.5, NM_001134408.2); short protein forms G250R.
Identifiers: ClinVar variation 2430603 (VCV002430603.5), dbSNP rs1473377043, ClinGen allele CA394798592.

ClinVar aggregate classification (germline): Uncertain significance. Review status: criteria provided, multiple submitters, no conflicts (2 of 4 stars). 2 submissions from 2 submitters: Uncertain significance (2). Last evaluated 2026-04-16.

Conditions:
Landau-Kleffner syndrome (FESD). Also called: EPILEPSY, FOCAL, WITH SPEECH DISORDER AND WITH OR WITHOUT MENTAL RETARDATION; APHASIA, ACQUIRED, WITH EPILEPSY. Identifiers: Orphanet 1945, Orphanet 725, Orphanet 98818, MedGen C0282512, MONDO:0009509, OMIM 245570.

Allele frequency attached by ClinVar (database versions not stated): TOPMed below 0.00001; gnomAD 0.00001; gnomAD exomes 0.00001.
gnomAD v4.1: 12 of 1,613,696 alleles (0.00074%); highest among the groups gnomAD compares: Admixed American, 0.0017%; no homozygotes.

Submissions (3):

GeneDx
Classification: Uncertain significance. Last evaluated: 2026-04-16. Review status: criteria provided, single submitter. Criteria: GeneDx Variant Classification Process June 2021. Collection method: clinical testing. Allele origin: germline.
Comment: In silico analysis supports that this missense variant has a deleterious effect on protein structure/function; In silico analysis suggests this variant may impact gene splicing. In the absence of RNA/functional studies, the actual effect of this sequence change is unknown.; Has not been previously published as pathogenic or benign to our knowledge; Not observed at significant frequency in large population cohorts (gnomAD); This variant is associated with the following publications: (PMID: 34726335, 35943292, 31275557, 27284491)

Labcorp Genetics (formerly Invitae), Labcorp
Classification: Uncertain significance for Landau-Kleffner syndrome. Last evaluated: 2025-03-30. Review status: criteria provided, single submitter. Criteria: Invitae Variant Classification Sherloc (09022015). Collection method: clinical testing. Allele origin: germline.
Comment: This sequence change replaces glycine, which is neutral and non-polar, with arginine, which is basic and polar, at codon 250 of the GRIN2A protein (p.Gly250Arg). This variant is present in population databases (no rsID available, gnomAD 0.007%). This variant has not been reported in the literature in individuals affected with GRIN2A-related conditions. ClinVar contains an entry for this variant (Variation ID: 2430603). Invitae Evidence Modeling of protein sequence and biophysical properties (such as structural, functional, and spatial information, amino acid conservation, physicochemical variation, residue mobility, and thermodynamic stability) indicates that this missense variant is expected to disrupt GRIN2A protein function with a positive predictive value of 80%. Algorithms developed to predict the effect of sequence changes on RNA splicing suggest that this variant may create or strengthen a splice site. In summary, the available evidence is currently insufficient to determine the role of this variant in disease. Therefore, it has been classified as a Variant of Uncertain Significance.

Dr. Peter K. Rogan Lab, Western University
No classification provided (evidence only). Condition: Familial prostate cancer. Review status: no classification provided. Collection method: in vitro. Allele origin: not applicable. Functional consequence: retained intron. Not counted in ClinVar's aggregate classification.